The following is an entry in ClinVar:

ClinVar aggregate classification (germline): Uncertain significance (1 of 4 stars; one submission).

Conditions:
Inborn genetic diseases. Identifiers: MedGen C0950123, MeSH D030342.

Submission:

Ambry Genetics
Classification: Uncertain significance for Inborn genetic diseases. Last evaluated: 2023-02-21. Review status: criteria provided, single submitter. Criteria: Ambry Variant Classification Scheme 2023. Collection method: clinical testing. Allele origin: germline.
Comment: The p.R253S variant (also known as c.757C>A), located in coding exon 9 of the ERCC2 gene, results from a C to A substitution at nucleotide position 757. The arginine at codon 253 is replaced by serine, an amino acid with dissimilar properties. This amino acid position is conserved. In addition, this alteration is predicted to be deleterious by in silico analysis. Since supporting evidence is limited at this time, the clinical significance of this alteration remains unclear.

NM_000400.4(ERCC2):c.757C>A (p.Arg253Ser)

Gene: ERCC2 (ERCC excision repair 2, TFIIH core complex helicase subunit; minus strand). Cytogenetic location: 19q13.32.
Variant type: single nucleotide variant.
Coding change: c.757C>A on transcript NM_000400.4 (MANE Select); coding-DNA position 757, C replaced by A.
Protein change: p.Arg253Ser; replaces arginine 253 with serine.
Molecular consequence: missense variant.
Genome position (GRCh38, 1-based): chr19:45,364,293, G>T on the plus strand (C>A on the coding strand, the complement: ERCC2 is on the minus strand). VCF-style: chr19-45364293-G-T. GRCh37 (hg19) VCF-style: chr19-45867551-G-T.
Other names: c.685C>A, p.Arg229Ser (NM_001130867.2); short protein forms R253S, R229S.
Identifiers: ClinVar variation 2479897 (VCV002479897.2), dbSNP rs1019756624, ClinGen allele CA406374169.